The following is an entry in ClinVar:

NM_001430.5(EPAS1):c.1333C>T (p.His445Tyr)

Gene: EPAS1 (endothelial PAS domain protein 1; plus strand). Cytogenetic location: 2p21.
Variant type: single nucleotide variant.
Coding change: c.1333C>T on transcript NM_001430.5 (MANE Select); coding-DNA position 1333, C replaced by T.
Protein change: p.His445Tyr; replaces histidine 445 with tyrosine.
Molecular consequence: missense variant.
Genome position (GRCh38, 1-based): chr2:46,377,977, C>T. VCF-style: chr2-46377977-C-T. GRCh37 (hg19) VCF-style: chr2-46605116-C-T.
Other names: short protein forms H445Y.
Identifiers: ClinVar variation 3275726 (VCV003275726.1).

ClinVar aggregate classification (germline): Uncertain significance (1 of 4 stars; one submission).

Conditions:
Inborn genetic diseases. Identifiers: MedGen C0950123, MeSH D030342.

gnomAD v4.1: 1 of 1,573,288 alleles (0.000064%); highest among the groups gnomAD compares: Non-Finnish European, 0.000086%; no homozygotes.

Submission:

Ambry Genetics
Classification: Uncertain significance for Inborn genetic diseases. Last evaluated: 2024-05-20. Review status: criteria provided, single submitter. Criteria: Ambry Variant Classification Scheme 2023. Collection method: clinical testing. Allele origin: germline.
Comment: The p.H445Y variant (also known as c.1333C>T), located in coding exon 10 of the EPAS1 gene, results from a C to T substitution at nucleotide position 1333. The histidine at codon 445 is replaced by tyrosine, an amino acid with similar properties. This amino acid position is conserved. In addition, this alteration is predicted to be tolerated by in silico analysis. Based on the available evidence, the clinical significance of this variant remains unclear.